The following is an entry in ClinVar:

ClinVar aggregate classification (germline): Uncertain significance (1 of 4 stars; one submission).

Conditions:
Multiple endocrine neoplasia, type 2 (MEN2). Identifiers: Orphanet 653, MedGen C4048306, MONDO:0019003. Disease mechanism: gain of function.

Submission:

Labcorp Genetics (formerly Invitae), Labcorp
Classification: Uncertain significance for Multiple endocrine neoplasia, type 2. Last evaluated: 2023-01-20. Review status: criteria provided, single submitter. Criteria: Invitae Variant Classification Sherloc (09022015). Collection method: clinical testing. Allele origin: germline.
Comment: This sequence change replaces glutamic acid, which is acidic and polar, with lysine, which is basic and polar, at codon 732 of the RET protein (p.Glu732Lys). This variant is not present in population databases (gnomAD no frequency). This variant has not been reported in the literature in individuals affected with RET-related conditions. Algorithms developed to predict the effect of missense changes on protein structure and function are either unavailable or do not agree on the potential impact of this missense change (SIFT: "Deleterious"; PolyPhen-2: "Probably Damaging"; Align-GVGD: "Class C0"). In summary, the available evidence is currently insufficient to determine the role of this variant in disease. Therefore, it has been classified as a Variant of Uncertain Significance.

NM_020975.6(RET):c.2194G>A (p.Glu732Lys)

Gene: RET (ret proto-oncogene; plus strand). Cytogenetic location: 10q11.21.
Variant type: single nucleotide variant.
Coding change: c.2194G>A on transcript NM_020975.6 (MANE Select); coding-DNA position 2194, G replaced by A.
Protein change: p.Glu732Lys; replaces glutamic acid 732 with lysine.
Molecular consequence: missense variant.
Genome position (GRCh38, 1-based): chr10:43,116,641, G>A. VCF-style: chr10-43116641-G-A. GRCh37 (hg19) VCF-style: chr10-43612089-G-A.
Other names: c.1468G>A, p.Glu490Lys (NM_001406776.1, NM_001406777.1, NM_001406778.1 and 1 more transcripts); c.1297G>A, p.Glu433Lys (NM_001406779.1, NM_001406780.1, NM_001406781.1 and 1 more transcripts); c.1798G>A, p.Glu600Lys (NM_001406769.1, NM_001406772.1); c.1906G>A, p.Glu636Lys (NM_001406770.1, NM_001406766.1, NM_001406767.1); c.2065G>A, p.Glu689Lys (NM_001406762.1, NM_001406764.1, NM_001406761.1); c.2059G>A, p.Glu687Lys (NM_001406763.1, NM_001406765.1); c.1930G>A, p.Glu644Lys (NM_001406768.1); c.1168G>A, p.Glu390Lys (NM_001406783.1, NM_001406786.1); and 10 more; short protein forms E297K, E337K, E393K, E402K, E600K, E689K, E249K, E433K.
Identifiers: ClinVar variation 2830387 (VCV002830387.3), dbSNP rs2132905415, ClinGen allele CA376554421.